The following is an entry in ClinVar:

NM_198253.3(TERT):c.260G>A (p.Arg87Lys)

Gene: TERT (telomerase reverse transcriptase; minus strand). Cytogenetic location: 5p15.33.
Variant type: single nucleotide variant.
Coding change: c.260G>A on transcript NM_198253.3 (MANE Select); coding-DNA position 260, G replaced by A.
Protein change: p.Arg87Lys; replaces arginine 87 with lysine.
Molecular consequence: missense variant. On other transcripts: non-coding transcript variant (2).
Genome position (GRCh38, 1-based): chr5:1,294,626, C>T on the plus strand (G>A on the coding strand, the complement: TERT is on the minus strand). VCF-style: chr5-1294626-C-T. GRCh37 (hg19) VCF-style: chr5-1294741-C-T.
Other names: c.260G>A, p.Arg87Lys (NM_001193376.3); short protein forms R87K.
Identifiers: ClinVar variation 969598 (VCV000969598.11), dbSNP rs776383511, ClinGen allele CA3184999.

ClinVar aggregate classification (germline): Uncertain significance. Review status: criteria provided, multiple submitters, no conflicts (2 of 4 stars). 3 submissions from 3 submitters: Uncertain significance (3). Last evaluated 2026-08-24.

Conditions:
Idiopathic Pulmonary Fibrosis. Also called: Idiopathic fibrosing alveolitis, chronic form; idiopathic fibrosing alveolitis. Identifiers: Orphanet 2032, MedGen C1800706, MeSH D054990, MONDO:0800504.
Dyskeratosis congenita, autosomal dominant 2. Identifiers: MedGen C3151443, MONDO:0013521, OMIM 613989.
Dyskeratosis congenita. Identifiers: Orphanet 1775, MedGen C0265965, MONDO:0015780.

Allele frequency attached by ClinVar (database versions not stated): gnomAD 0.00001 and 0.00002; gnomAD exomes 0.00001 and below 0.00001; ExAC 0.00001; TOPMed 0.00001.
gnomAD v4.1: 5 of 1,596,186 alleles (0.00031%); highest among the groups gnomAD compares: African/African-American, 0.0027%; no homozygotes.

Submissions (3):

Ambry Genetics
Classification: Uncertain significance for Dyskeratosis congenita. Last evaluated: 2026-08-24. Review status: criteria provided, single submitter. Criteria: Ambry Variant Classification Scheme 2023. Collection method: clinical testing. Allele origin: germline.
Comment: The p.R87K variant (also known as c.260G>A), located in coding exon 2 of the TERT gene, results from a G to A substitution at nucleotide position 260. The arginine at codon 87 is replaced by lysine, an amino acid with highly similar properties. This amino acid position is well conserved in available vertebrate species. In addition, this alteration is predicted to be tolerated by in silico analysis. Based on the available evidence, the clinical significance of this variant remains unclear.

Labcorp Genetics (formerly Invitae), Labcorp
Classification: Uncertain significance for Dyskeratosis congenita, autosomal dominant 2; Idiopathic Pulmonary Fibrosis. Last evaluated: 2024-04-22. Review status: criteria provided, single submitter. Criteria: Invitae Variant Classification Sherloc (09022015). Collection method: clinical testing. Allele origin: germline.
Comment: This sequence change replaces arginine, which is basic and polar, with lysine, which is basic and polar, at codon 87 of the TERT protein (p.Arg87Lys). The frequency data for this variant in the population databases is considered unreliable, as metrics indicate poor data quality at this position in the gnomAD database. This variant has not been reported in the literature in individuals affected with TERT-related conditions. ClinVar contains an entry for this variant (Variation ID: 969598). Advanced modeling of protein sequence and biophysical properties (such as structural, functional, and spatial information, amino acid conservation, physicochemical variation, residue mobility, and thermodynamic stability) performed at Invitae indicates that this missense variant is expected to disrupt TERT protein function with a positive predictive value of 80%. In summary, the available evidence is currently insufficient to determine the role of this variant in disease. Therefore, it has been classified as a Variant of Uncertain Significance.

Baylor Genetics
Classification: Uncertain significance for Dyskeratosis congenita, autosomal dominant 2. Last evaluated: 2023-08-12. Review status: criteria provided, single submitter. Criteria: ACMG Guidelines, 2015. Collection method: clinical testing. Allele origin: unknown.